The following is an entry in ClinVar:

ClinVar aggregate classification (germline): Uncertain significance (1 of 4 stars; one submission).

gnomAD v4.1: 10 of 1,597,054 alleles (0.00063%); highest among the groups gnomAD compares: African/African-American, 0.011%; no homozygotes.

Submission:

GeneDx
Classification: Uncertain significance. Last evaluated: 2024-11-07. Review status: criteria provided, single submitter. Criteria: GeneDx Variant Classification Process June 2021. Collection method: clinical testing. Allele origin: germline. Affected: yes.
Comment: Not observed at significant frequency in large population cohorts (gnomAD); In silico analysis indicates that this missense variant does not alter protein structure/function; Has not been previously published as pathogenic or benign to our knowledge

NM_001267052.2(UNC45B):c.1303G>A (p.Glu435Lys)

Gene: UNC45B (unc-45 myosin chaperone B; plus strand). Cytogenetic location: 17q12.
Variant type: single nucleotide variant.
Coding change: c.1303G>A on transcript NM_001267052.2 (MANE Select); coding-DNA position 1303, G replaced by A.
Protein change: p.Glu435Lys; replaces glutamic acid 435 with lysine.
Molecular consequence: missense variant.
Genome position (GRCh38, 1-based): chr17:35,168,212, G>A. VCF-style: chr17-35168212-G-A. GRCh37 (hg19) VCF-style: chr17-33495231-G-A.
Other names: c.1303G>A, p.Glu435Lys (NM_001033576.2, NM_001308281.1, NM_173167.3); short protein forms E435K.
Identifiers: ClinVar variation 3898925 (VCV003898925.1).